The following is an entry in ClinVar:

ClinVar aggregate classification (germline): Conflicting classifications of pathogenicity. Review status: criteria provided, conflicting classifications (1 of 4 stars). 3 submissions from 3 submitters: Uncertain significance (1); Likely benign (2). Last evaluated 2025-12-24.

Allele frequency attached by ClinVar (database versions not stated): gnomAD exomes 0.00007 and 0.00018; ExAC 0.00008; TOPMed 0.00009.
gnomAD v4.1: 287 of 1,614,020 alleles (0.018%); highest among the groups gnomAD compares: Non-Finnish European, 0.023%; no homozygotes.

Submissions (3):

Labcorp Genetics (formerly Invitae), Labcorp
Classification: Likely benign. Last evaluated: 2025-12-24. Review status: criteria provided, single submitter. Criteria: Invitae Variant Classification Sherloc (09022015). Collection method: clinical testing. Allele origin: germline.

GeneDx
Classification: Uncertain significance. Last evaluated: 2023-12-28. Review status: criteria provided, single submitter. Criteria: GeneDx Variant Classification Process June 2021. Collection method: clinical testing. Allele origin: germline. Affected: yes.
Comment: Not observed at significant frequency in large population cohorts (gnomAD); In silico analysis supports that this variant does not alter splicing; Has not been previously published as pathogenic or benign to our knowledge

Blueprint Genetics
Classification: Likely benign. Last evaluated: 2023-10-23. Review status: criteria provided, single submitter. Criteria: ACMG Guidelines, 2015. Collection method: clinical testing. Allele origin: germline.

NM_007103.4(NDUFV1):c.981C>A (p.Ile327=)

Gene: NDUFV1 (NADH:ubiquinone oxidoreductase core subunit V1; plus strand). Cytogenetic location: 11q13.2.
Variant type: single nucleotide variant.
Coding change: c.981C>A on transcript NM_007103.4 (MANE Select); coding-DNA position 981, C replaced by A.
Protein change: p.Ile327=; no amino-acid change (isoleucine 327 retained).
Molecular consequence: synonymous variant.
Genome position (GRCh38, 1-based): chr11:67,611,470, C>A. VCF-style: chr11-67611470-C-A. GRCh37 (hg19) VCF-style: chr11-67378941-C-A.
Other names: c.954C>A, p.Ile318= (NM_001166102.2); c.981C>A (NM_007103.3).
Identifiers: ClinVar variation 1562822 (VCV001562822.10), dbSNP rs747407725, ClinGen allele CA6143352.